The following is an entry in ClinVar:

NM_176824.3(BBS7):c.187G>A (p.Gly63Arg)

Gene: BBS7 (Bardet-Biedl syndrome 7; minus strand). Cytogenetic location: 4q27.
Variant type: single nucleotide variant.
Coding change: c.187G>A on transcript NM_176824.3 (MANE Select); coding-DNA position 187, G replaced by A.
Protein change: p.Gly63Arg; replaces glycine 63 with arginine.
Molecular consequence: missense variant.
Genome position (GRCh38, 1-based): chr4:121,861,658, C>T on the plus strand (G>A on the coding strand, the complement: BBS7 is on the minus strand). VCF-style: chr4-121861658-C-T. GRCh37 (hg19) VCF-style: chr4-122782813-C-T.
Other names: c.187G>A, p.Gly63Arg (NM_018190.4); short protein forms G63R.
Identifiers: ClinVar variation 988241 (VCV000988241.16), dbSNP rs754579374, ClinGen allele CA3064561.

ClinVar aggregate classification (germline): Conflicting classifications of pathogenicity. Review status: criteria provided, conflicting classifications (1 of 4 stars). 6 submissions from 6 submitters: Pathogenic (3); Likely pathogenic (1); Uncertain significance (1). 1 of the submissions does not count toward it. Last evaluated 2026-06-18.

Conditions:
Bardet-Biedl syndrome (BBS). Identifiers: Orphanet 110, MedGen C0752166, MONDO:0015229.
BBS7-related disorder. Also called: BBS7-related condition.
Bardet-Biedl syndrome 7 (BBS7). Identifiers: Orphanet 110, MedGen C1859565, MONDO:0014435, OMIM 615984.

Allele frequency attached by ClinVar (database versions not stated): ExAC 0.00002; gnomAD exomes 0.00002 and 0.00007; TOPMed 0.00003; gnomAD 0.00004.
gnomAD v4.1: 107 of 1,612,864 alleles (0.0066%); highest among the groups gnomAD compares: Non-Finnish European, 0.0087%; no homozygotes.

Submissions (6):

PreventionGenetics, part of Exact Sciences
Classification: Pathogenic for BBS7-related condition. Last evaluated: 2026-06-18. Review status: criteria provided, single submitter. Criteria: ACMG Guidelines, 2015. Collection method: clinical testing. Allele origin: germline.
Comment: The BBS7 c.187G>A variant is predicted to result in the amino acid substitution p.Gly63Arg. This variant has been reported in the compound heterozygous state in two individuals from the same family with Bardet-Biedl syndrome (Bin et al. 2009. PubMed ID: 19402160). This variant is reported in 0.0039% of alleles in individuals of European (Non-Finnish) descent in gnomAD. This variant is interpreted as pathogenic.

Women's Health and Genetics/Laboratory Corporation of America, LabCorp
Classification: Pathogenic for Bardet-Biedl syndrome. Last evaluated: 2026-03-30. Review status: criteria provided, single submitter. Criteria: LabCorp Variant Classification Summary - May 2015. Collection method: clinical testing. Allele origin: germline.
Comment: Variant summary: BBS7 c.187G>A (p.Gly63Arg) results in a non-conservative amino acid change in the encoded protein sequence. Algorithms developed to predict the effect of missense changes on protein structure and function all suggest that this variant is likely to be disruptive. The variant allele was found at a frequency of 2e-05 in 251152 control chromosomes. c.187G>A has been observed in compound heterozygous individuals affected with Bardet-Biedl Syndrome and in a fetus with clinical features consistent with Bardet-Biedl Syndrome, of which at least one of these individuals carried a likely pathogenic/pathogenic variant in trans (example: Bin_2009, Deveault_2011, Forsythe_2017, Shelmerdine_2019). These data indicate that the variant is likely to be associated with disease. To our knowledge, no experimental evidence demonstrating an impact on protein function has been reported. The following publications have been ascertained in the context of this evaluation (PMID: 19402160, 21344540, 27659767, 30079607). ClinVar contains an entry for this variant (Variation ID: 988241). Based on the evidence outlined above, the variant was classified as pathogenic.

Labcorp Genetics (formerly Invitae), Labcorp
Classification: Pathogenic for Bardet-Biedl syndrome. Last evaluated: 2026-01-23. Review status: criteria provided, single submitter. Criteria: Invitae Variant Classification Sherloc (09022015). Collection method: clinical testing. Allele origin: germline.
Comment: This sequence change replaces glycine, which is neutral and non-polar, with arginine, which is basic and polar, at codon 63 of the BBS7 protein (p.Gly63Arg). This variant is present in population databases (rs754579374, gnomAD 0.003%). This missense change has been observed in individual(s) with Bardet-Biedl syndrome (PMID: 19402160). In at least one individual the data is consistent with being in trans (on the opposite chromosome) from a pathogenic variant. It has also been observed to segregate with disease in related individuals. ClinVar contains an entry for this variant (Variation ID: 988241). Invitae Evidence Modeling of protein sequence and biophysical properties (such as structural, functional, and spatial information, amino acid conservation, physicochemical variation, residue mobility, and thermodynamic stability) has been performed for this missense variant. However, the output from this modeling did not meet the statistical confidence thresholds required to predict the impact of this variant on BBS7 protein function. For these reasons, this variant has been classified as Pathogenic.

Fulgent Genetics
Classification: Likely pathogenic for Bardet-Biedl syndrome 7. Last evaluated: 2024-05-31. Review status: criteria provided, single submitter. Criteria: ACMG Guidelines, 2015. Collection method: clinical testing. Allele origin: germline.

Blueprint Genetics
Classification: Uncertain significance. Last evaluated: 2023-12-11. Review status: criteria provided, single submitter. Criteria: ACMG Guidelines, 2015. Collection method: clinical testing. Allele origin: germline.

Sydney Genome Diagnostics, Children's Hospital Westmead
Classification: Likely pathogenic for Bardet-Biedl syndrome. Last evaluated: 2018-03-06. Review status: no assertion criteria provided. Collection method: clinical testing. Allele origin: unknown. Affected: yes. Observed: 1 variant allele, 1 compound heterozygote. Not counted in ClinVar's aggregate classification.
Comment: This variant has not been reported in any population databases (i.e. ExAC browser, ESP or dbSNP). However, this variant has been previously reported in the homozygote state in two family members with BBS (Janssen et al 2011 Hum Genet 129:79-90), and in the heterozygote state in trans with another BBS7 pathogenic variant in another family with two individuals with BBS (Lindstrand et al 2016 Am J Hum Genet 99:318-336). This variant is considered to be likely pathogenic according to the ACMG guidelines.

Literature cited by the submitters: PubMed 19402160 (cited by Women's Health and Genetics/Laboratory Corporation of America, LabCorp and Labcorp Genetics (formerly Invitae), Labcorp); PubMed 21344540 (cited by Women's Health and Genetics/Laboratory Corporation of America, LabCorp); PubMed 27659767 (cited by Women's Health and Genetics/Laboratory Corporation of America, LabCorp); PubMed 30079607 (cited by Women's Health and Genetics/Laboratory Corporation of America, LabCorp).